The following is an entry in ClinVar:

NM_001875.5(CPS1):c.158G>C (p.Gly53Ala)

Gene: CPS1 (carbamoyl-phosphate synthase 1; plus strand). Cytogenetic location: 2q34.
Variant type: single nucleotide variant.
Coding change: c.158G>C on transcript NM_001875.5 (MANE Select); coding-DNA position 158, G replaced by C.
Protein change: p.Gly53Ala; replaces glycine 53 with alanine.
Molecular consequence: missense variant. On other transcripts: non-coding transcript variant (1).
Genome position (GRCh38, 1-based): chr2:210,573,329, G>C. VCF-style: chr2-210573329-G-C. GRCh37 (hg19) VCF-style: chr2-211438053-G-C.
Other names: c.158G>C, p.Gly53Ala (NM_001122633.3, NM_001369257.1); c.191G>C, p.Gly64Ala (NM_001369256.1); c.158G>C (NM_001875.4); short protein forms G53A, G64A.
Identifiers: ClinVar variation 809148 (VCV000809148.43), dbSNP rs140092912, ClinGen allele CA2085953.

ClinVar aggregate classification (germline): Uncertain significance. Review status: criteria provided, multiple submitters, no conflicts (2 of 4 stars). 3 submissions from 3 submitters: Uncertain significance (3). Last evaluated 2025-05-28.

Conditions:
Inborn genetic diseases. Identifiers: MedGen C0950123, MeSH D030342.
Congenital hyperammonemia, type I. Also called: Carbamoyl phosphate synthetase 1 deficiency; Hyperammonemia due to carbamoyl phosphate synthetase 1 deficiency; CPS 1 deficiency; Carbamyl phosphate synthetase (CPS) deficiency; CPS I DEFICIENCY; Carbamoyl-phosphate synthase I deficiency. Identifiers: Orphanet 147, MedGen C4082171, MONDO:0009376, OMIM 237300.

Allele frequency attached by ClinVar (database versions not stated): gnomAD 0.00001; TOPMed 0.00005; ESP Exome Variant Server 0.00015.
gnomAD v4.1: 203 of 1,613,064 alleles (0.013%); highest among the groups gnomAD compares: Non-Finnish European, 0.017%; no homozygotes.

Submissions (3):

Ambry Genetics
Classification: Uncertain significance for Inborn genetic diseases. Last evaluated: 2025-05-28. Review status: criteria provided, single submitter. Criteria: Ambry Variant Classification Scheme 2023. Collection method: clinical testing. Allele origin: germline.

Labcorp Genetics (formerly Invitae), Labcorp
Classification: Uncertain significance for Congenital hyperammonemia, type I. Last evaluated: 2022-10-17. Review status: criteria provided, single submitter. Criteria: Invitae Variant Classification Sherloc (09022015). Collection method: clinical testing. Allele origin: germline.
Comment: This sequence change replaces glycine, which is neutral and non-polar, with alanine, which is neutral and non-polar, at codon 53 of the CPS1 protein (p.Gly53Ala). This variant is present in population databases (rs140092912, gnomAD 0.007%). This variant has not been reported in the literature in individuals affected with CPS1-related conditions. ClinVar contains an entry for this variant (Variation ID: 809148). Advanced modeling of protein sequence and biophysical properties (such as structural, functional, and spatial information, amino acid conservation, physicochemical variation, residue mobility, and thermodynamic stability) has been performed at Invitae for this missense variant, however the output from this modeling did not meet the statistical confidence thresholds required to predict the impact of this variant on CPS1 protein function. In summary, the available evidence is currently insufficient to determine the role of this variant in disease. Therefore, it has been classified as a Variant of Uncertain Significance.

CeGaT Center for Human Genetics Tuebingen
Classification: Uncertain significance. Last evaluated: 2016-06-01. Review status: criteria provided, single submitter. Criteria: CeGaT Center For Human Genetics Tuebingen Variant Classification Criteria Version 2. Collection method: clinical testing. Allele origin: germline. Affected: yes. Observed: 1 variant allele.